The following is an entry in ClinVar:

ClinVar aggregate classification (germline): Uncertain significance. Review status: criteria provided, multiple submitters, no conflicts (2 of 4 stars). 2 submissions from 2 submitters: Uncertain significance (2). Last evaluated 2024-03-19.

Allele frequency attached by ClinVar (database versions not stated): gnomAD exomes 0.00002.
gnomAD v4.1: 22 of 1,613,904 alleles (0.0014%); highest among the groups gnomAD compares: Non-Finnish European, 0.0019%; no homozygotes.

Submissions (2):

Labcorp Genetics (formerly Invitae), Labcorp
Classification: Uncertain significance. Last evaluated: 2024-03-19. Review status: criteria provided, single submitter. Criteria: Invitae Variant Classification Sherloc (09022015). Collection method: clinical testing. Allele origin: germline.
Comment: This sequence change replaces valine, which is neutral and non-polar, with methionine, which is neutral and non-polar, at codon 145 of the CAMTA1 protein (p.Val145Met). This variant is not present in population databases (gnomAD no frequency). This variant has not been reported in the literature in individuals affected with CAMTA1-related conditions. ClinVar contains an entry for this variant (Variation ID: 2505217). An algorithm developed to predict the effect of missense changes on protein structure and function (PolyPhen-2) suggests that this variant is likely to be disruptive. In summary, the available evidence is currently insufficient to determine the role of this variant in disease. Therefore, it has been classified as a Variant of Uncertain Significance.

Greenwood Genetic Center Diagnostic Laboratories, Greenwood Genetic Center
Classification: Uncertain significance. Last evaluated: 2023-03-28. Review status: criteria provided, single submitter. Criteria: ACMG Guidelines, 2015. Collection method: clinical testing. Allele origin: germline. Affected: yes.
Comment: PM2

NM_015215.4(CAMTA1):c.433G>A (p.Val145Met)

Gene: CAMTA1 (calmodulin binding transcription activator 1; plus strand). Cytogenetic location: 1p36.23.
Variant type: single nucleotide variant.
Coding change: c.433G>A on transcript NM_015215.4 (MANE Select); coding-DNA position 433, G replaced by A.
Protein change: p.Val145Met; replaces valine 145 with methionine.
Molecular consequence: missense variant.
Genome position (GRCh38, 1-based): chr1:7,249,621, G>A. VCF-style: chr1-7249621-G-A. GRCh37 (hg19) VCF-style: chr1-7309681-G-A.
Other names: c.343G>A, p.Val115Met (NM_001349608.2, NM_001349612.2); c.433G>A, p.Val145Met (NM_001349609.2, NM_001349610.2, NM_001410737.1 and 1 more transcripts); short protein forms V115M, V145M.
Identifiers: ClinVar variation 2505217 (VCV002505217.3), dbSNP rs2523961849, ClinGen allele CA338218834.